The following is an entry in ClinVar:

ClinVar aggregate classification (germline): Uncertain significance. Review status: criteria provided, multiple submitters, no conflicts (2 of 4 stars). 2 submissions from 2 submitters: Uncertain significance (2). Last evaluated 2024-01-28.

Allele frequency attached by ClinVar (database versions not stated): gnomAD exomes below 0.00001.
gnomAD v4.1: 3 of 1,614,160 alleles (0.00019%); highest among the groups gnomAD compares: Non-Finnish European, 0.00017%; no homozygotes.

Submissions (2):

Ambry Genetics
Classification: Uncertain significance. Last evaluated: 2024-01-28. Review status: criteria provided, single submitter. Criteria: Ambry Variant Classification Scheme 2023. Collection method: clinical testing. Allele origin: germline.
Comment: The p.G1224V variant (also known as c.3671G>T), located in coding exon 17 of the NPAT gene, results from a G to T substitution at nucleotide position 3671. The glycine at codon 1224 is replaced by valine, an amino acid with dissimilar properties. This amino acid position is conserved. In addition, this alteration is predicted to be tolerated by in silico analysis. Since supporting evidence is limited at this time, the clinical significance of this alteration remains unclear.

Labcorp Genetics (formerly Invitae), Labcorp
Classification: Uncertain significance. Last evaluated: 2022-09-16. Review status: criteria provided, single submitter. Criteria: Invitae Variant Classification Sherloc (09022015). Collection method: clinical testing. Allele origin: germline.
Comment: This variant is not present in population databases (gnomAD no frequency). This variant has not been reported in the literature in individuals affected with NPAT-related conditions. Algorithms developed to predict the effect of missense changes on protein structure and function are either unavailable or do not agree on the potential impact of this missense change (SIFT: "Deleterious"; PolyPhen-2: "Possibly Damaging"; Align-GVGD: "Class C0"). In summary, the available evidence is currently insufficient to determine the role of this variant in disease. Therefore, it has been classified as a Variant of Uncertain Significance. This sequence change replaces glycine, which is neutral and non-polar, with valine, which is neutral and non-polar, at codon 1224 of the NPAT protein (p.Gly1224Val).

NM_002519.3(NPAT):c.3671G>T (p.Gly1224Val)

Gene: NPAT (nuclear protein, coactivator of histone transcription; minus strand). Cytogenetic location: 11q22.3.
Variant type: single nucleotide variant.
Coding change: c.3671G>T on transcript NM_002519.3 (MANE Select); coding-DNA position 3671, G replaced by T.
Protein change: p.Gly1224Val; replaces glycine 1224 with valine.
Molecular consequence: missense variant.
Genome position (GRCh38, 1-based): chr11:108,161,415, C>A on the plus strand (G>T on the coding strand, the complement: NPAT is on the minus strand). VCF-style: chr11-108161415-C-A. GRCh37 (hg19) VCF-style: chr11-108032142-C-A.
Other names: c.3692G>T, p.Gly1231Val (NM_001321307.1); short protein forms G1224V, G1231V.
Identifiers: ClinVar variation 1733800 (VCV001733800.7), dbSNP rs201289703, ClinGen allele CA228373614.